The following is an entry in ClinVar:

ClinVar aggregate classification (germline): Likely pathogenic. Review status: reviewed by expert panel (3 of 4 stars). 3 submissions from 3 submitters: Likely pathogenic (1). 2 of the submissions do not count toward it. Last evaluated 2024-11-17.

Conditions:
Phenylketonuria (PKU). Also called: Phenylketonuria (PKU); FOLLING DISEASE; OLIGOPHRENIA PHENYLPYRUVICA; Phenylketonurias. Identifiers: Orphanet 716, MedGen C0031485, MONDO:0009861, OMIM 261600. Disease mechanism: loss of function.

Allele frequency attached by ClinVar (database versions not stated): gnomAD exomes below 0.00001.
gnomAD v4.1: 1 of 1,613,748 alleles (0.000062%); highest among the groups gnomAD compares: Non-Finnish European, 0.000085%; no homozygotes.

Submissions (3):

ClinGen PAH Variant Curation Expert Panel
Classification: Likely pathogenic for Phenylketonuria. Last evaluated: 2024-11-17. Review status: reviewed by expert panel. Criteria: ClinGen PAH ACMG Specifications v1. Collection method: curation. Allele origin: germline. Inheritance: Autosomal recessive inheritance.
Comment: The c.232G>A (p.Glu78Lys) variant in PAH has been reported in at least two individuals with plasma Phe levels > 120 umol/L; in one patient, it was observed with c.194T>C (p.Ile65Thr) (classified as pathogenic by PAH VCEP Variation ID: 636) and in the other it was observed with c.1222C>T (p.Arg408Trp) (classified as pathogenic by PAH VCEP Variation ID: 577). Confirmation of phase and exclusion of BH4 deficiency were not specified (PMID: 23430918). c.232G>A has also been described without further information in two additional publications (PMID: 32668217, 32305867). Finally, c.232G>A has been observed in a patient with moderate PKU who also had c.1045T>C (p.Ser349Pro), which is not classified by the PAH VCEP (PMID: 31623983). In-vitro functional studies are unavailable. The Pop Max allele frequency is [8.476e-7] for [ENF] chromosomes by gnomAD v4.1.0, which is lower than the ClinGen PAH threshold (≤ 0.0002) for PM2_Supporting. In-silico predictions suggest this variant is pathogenic (REVEL=0.831). In summary, this variant meets criteria to be classified as Likely Pathogenic for PAH. PAH-specific ACMG/AMP criteria applied: PM3, PP4, PM2-supporting, PP3-moderate.

Labcorp Genetics (formerly Invitae), Labcorp
Classification: Pathogenic for Phenylketonuria. Last evaluated: 2024-02-08. Review status: criteria provided, single submitter. Criteria: Invitae Variant Classification Sherloc (09022015). Collection method: clinical testing. Allele origin: germline. Not counted in ClinVar's aggregate classification.
Comment: This sequence change replaces glutamic acid with lysine at codon 78 of the PAH protein (p.Glu78Lys). The glutamic acid residue is highly conserved and there is a small physicochemical difference between glutamic acid and lysine. This variant is not present in population databases (gnomAD no frequency). This missense change has been observed in individual(s) with hyperphenylalaninemia (PMID: 32668217; BIOPKU). ClinVar contains an entry for this variant (Variation ID: 102636). Advanced modeling of protein sequence and biophysical properties (such as structural, functional, and spatial information, amino acid conservation, physicochemical variation, residue mobility, and thermodynamic stability) performed at Invitae indicates that this missense variant is not expected to disrupt PAH protein function with a negative predictive value of 80%. For these reasons, this variant has been classified as Pathogenic.

DeBelle Laboratory for Biochemical Genetics, MUHC/MCH RESEARCH INSTITUTE
No classification provided. Review status: no classification provided. Collection method: not provided. Allele origin: not provided. Not counted in ClinVar's aggregate classification.

Literature cited by the submitters: PubMed 32668217 (cited by Labcorp Genetics (formerly Invitae), Labcorp).

NM_000277.3(PAH):c.232G>A (p.Glu78Lys)

Gene: PAH (phenylalanine hydroxylase; minus strand). Cytogenetic location: 12q23.2.
Variant type: single nucleotide variant.
Coding change: c.232G>A on transcript NM_000277.3 (MANE Select); coding-DNA position 232, G replaced by A.
Protein change: p.Glu78Lys; replaces glutamic acid 78 with lysine.
Molecular consequence: missense variant.
Genome position (GRCh38, 1-based): chr12:102,894,855, C>T on the plus strand (G>A on the coding strand, the complement: PAH is on the minus strand). VCF-style: chr12-102894855-C-T. GRCh37 (hg19) VCF-style: chr12-103288633-C-T.
Other names: NM_000277.3(PAH):c.232G>A; p.Glu78Lys; c.232G>A, p.Glu78Lys (NM_001354304.2); short protein forms E78K.
Identifiers: ClinVar variation 102636 (VCV000102636.7), dbSNP rs62507326, ClinGen allele CA229495.